The following is an entry in ClinVar:

NM_004944.4(DNASE1L3):c.496G>C (p.Asp166His)

Gene: DNASE1L3 (deoxyribonuclease 1L3; minus strand). Cytogenetic location: 3p14.3.
Variant type: single nucleotide variant.
Coding change: c.496G>C on transcript NM_004944.4 (MANE Select); coding-DNA position 496, G replaced by C.
Protein change: p.Asp166His; replaces aspartic acid 166 with histidine.
Molecular consequence: missense variant.
Genome position (GRCh38, 1-based): chr3:58,201,047, C>G on the plus strand (G>C on the coding strand, the complement: DNASE1L3 is on the minus strand). VCF-style: chr3-58201047-C-G. GRCh37 (hg19) VCF-style: chr3-58186774-C-G.
Other names: c.406G>C, p.Asp136His (NM_001256560.2); short protein forms D136H, D166H.
Identifiers: ClinVar variation 2716633 (VCV002716633.3), dbSNP rs919216955, ClinGen allele CA75471650.

ClinVar aggregate classification (germline): Uncertain significance (1 of 4 stars; one submission).

Submission:

Labcorp Genetics (formerly Invitae), Labcorp
Classification: Uncertain significance. Last evaluated: 2023-06-15. Review status: criteria provided, single submitter. Criteria: Invitae Variant Classification Sherloc (09022015). Collection method: clinical testing. Allele origin: germline.
Comment: In summary, the available evidence is currently insufficient to determine the role of this variant in disease. Therefore, it has been classified as a Variant of Uncertain Significance. An algorithm developed to predict the effect of missense changes on protein structure and function (PolyPhen-2) suggests that this variant is likely to be disruptive. This variant has not been reported in the literature in individuals affected with DNASE1L3-related conditions. This variant is not present in population databases (gnomAD no frequency). This sequence change replaces aspartic acid, which is acidic and polar, with histidine, which is basic and polar, at codon 166 of the DNASE1L3 protein (p.Asp166His).